The following is an entry in ClinVar:

ClinVar aggregate classification (germline): Uncertain significance (1 of 4 stars; one submission).

Conditions:
MOGS-congenital disorder of glycosylation. Also called: CDG IIb; GLUCOSIDASE I DEFICIENCY; MOGS-CDG; CDG 2B. Identifiers: Orphanet 79330, MedGen C1853736, MONDO:0011629, OMIM 606056.

Allele frequency attached by ClinVar (database versions not stated): gnomAD exomes 0.00001.
gnomAD v4.1: 3 of 1,614,262 alleles (0.00019%); no homozygotes.

Submission:

Labcorp Genetics (formerly Invitae), Labcorp
Classification: Uncertain significance for MOGS-congenital disorder of glycosylation. Last evaluated: 2021-12-28. Review status: criteria provided, single submitter. Criteria: Invitae Variant Classification Sherloc (09022015). Collection method: clinical testing. Allele origin: germline.
Comment: In summary, the available evidence is currently insufficient to determine the role of this variant in disease. Therefore, it has been classified as a Variant of Uncertain Significance. Algorithms developed to predict the effect of missense changes on protein structure and function output the following: SIFT: "Tolerated"; PolyPhen-2: "Benign"; Align-GVGD: "Class C0". The lysine amino acid residue is found in multiple mammalian species, which suggests that this missense change does not adversely affect protein function. This variant has not been reported in the literature in individuals affected with MOGS-related conditions. This variant is not present in population databases (gnomAD no frequency). This sequence change replaces glutamic acid, which is acidic and polar, with lysine, which is basic and polar, at codon 370 of the MOGS protein (p.Glu370Lys).

NM_006302.3(MOGS):c.1108G>A (p.Glu370Lys)

Gene: MOGS (mannosyl-oligosaccharide glucosidase; minus strand). Cytogenetic location: 2p13.1.
Variant type: single nucleotide variant.
Coding change: c.1108G>A on transcript NM_006302.3 (MANE Select); coding-DNA position 1108, G replaced by A.
Protein change: p.Glu370Lys; replaces glutamic acid 370 with lysine.
Molecular consequence: missense variant.
Genome position (GRCh38, 1-based): chr2:74,462,681, C>T on the plus strand (G>A on the coding strand, the complement: MOGS is on the minus strand). VCF-style: chr2-74462681-C-T. GRCh37 (hg19) VCF-style: chr2-74689808-C-T.
Other names: c.790G>A, p.Glu264Lys (NM_001146158.2); short protein forms E264K, E370K.
Identifiers: ClinVar variation 2064044 (VCV002064044.3), dbSNP rs2529496536, ClinGen allele CA347376893.